The following is an entry in ClinVar:

NM_001082971.2(DDC):c.7G>A (p.Ala3Thr)

Gene: DDC (dopa decarboxylase; minus strand). Cytogenetic location: 7p12.1.
Variant type: single nucleotide variant.
Coding change: c.7G>A on transcript NM_001082971.2 (MANE Select); coding-DNA position 7, G replaced by A.
Protein change: p.Ala3Thr; replaces alanine 3 with threonine.
Molecular consequence: missense variant.
Genome position (GRCh38, 1-based): chr7:50,544,079, C>T on the plus strand (G>A on the coding strand, the complement: DDC is on the minus strand). VCF-style: chr7-50544079-C-T. GRCh37 (hg19) VCF-style: chr7-50611777-C-T.
Other names: c.7G>A, p.Ala3Thr (NM_000790.4, NM_001242886.2, NM_001242887.2 and 3 more transcripts); short protein forms A3T.
Identifiers: ClinVar variation 911454 (VCV000911454.8), dbSNP rs766408460, ClinGen allele CA4262523.

ClinVar aggregate classification (germline): Conflicting classifications of pathogenicity. Review status: criteria provided, conflicting classifications (1 of 4 stars). 4 submissions from 4 submitters: Uncertain significance (3); Likely benign (1). Last evaluated 2024-05-01.

Conditions:
Deficiency of aromatic-L-amino-acid decarboxylase. Also called: AADC DEFICIENCY; DDC DEFICIENCY; DOPA DECARBOXYLASE DEFICIENCY; Aromatic amino acid decarboxylase deficiency; Aromatic L-Amino Acid Decarboxylase Deficiency. Identifiers: Orphanet 35708, MedGen C1291564, MONDO:0012084, OMIM 608643.
Inborn genetic diseases. Identifiers: MedGen C0950123, MeSH D030342.

Allele frequency attached by ClinVar (database versions not stated): gnomAD exomes 0.00001 and 0.00002; TOPMed 0.00001; ExAC 0.00002.
gnomAD v4.1: 26 of 1,614,038 alleles (0.0016%); highest among the groups gnomAD compares: South Asian, 0.0077%; no homozygotes.

Submissions (4):

GeneDx
Classification: Uncertain significance. Last evaluated: 2024-05-01. Review status: criteria provided, single submitter. Criteria: GeneDx Variant Classification Process June 2021. Collection method: clinical testing. Allele origin: germline. Affected: yes.
Comment: Reported previously as a variant of uncertain significance in a public database; however, no clinical information was provided (PMID: 36427457); In silico analysis indicates that this missense variant does not alter protein structure/function; Not observed at significant frequency in large population cohorts (gnomAD); This variant is associated with the following publications: (PMID: 36427457)

Labcorp Genetics (formerly Invitae), Labcorp
Classification: Uncertain significance for Deficiency of aromatic-L-amino-acid decarboxylase. Last evaluated: 2022-06-05. Review status: criteria provided, single submitter. Criteria: Invitae Variant Classification Sherloc (09022015). Collection method: clinical testing. Allele origin: germline.
Comment: This sequence change replaces alanine, which is neutral and non-polar, with threonine, which is neutral and polar, at codon 3 of the DDC protein (p.Ala3Thr). This variant is present in population databases (rs766408460, gnomAD 0.01%). This variant has not been reported in the literature in individuals affected with DDC-related conditions. ClinVar contains an entry for this variant (Variation ID: 911454). Algorithms developed to predict the effect of missense changes on protein structure and function output the following: SIFT: "Tolerated"; PolyPhen-2: "Benign"; Align-GVGD: "Class C0". The threonine amino acid residue is found in multiple mammalian species, which suggests that this missense change does not adversely affect protein function. In summary, the available evidence is currently insufficient to determine the role of this variant in disease. Therefore, it has been classified as a Variant of Uncertain Significance.

Ambry Genetics
Classification: Likely benign for Inborn genetic diseases. Last evaluated: 2021-09-27. Review status: criteria provided, single submitter. Criteria: Ambry Variant Classification Scheme 2023. Collection method: clinical testing. Allele origin: germline.

Illumina Laboratory Services, Illumina
Classification: Uncertain significance for Deficiency of aromatic-L-amino-acid decarboxylase. Last evaluated: 2017-04-27. Review status: criteria provided, single submitter. Criteria: ICSL Variant Classification Criteria 13 December 2019. Collection method: clinical testing. Allele origin: germline.